The following is an entry in ClinVar:

ClinVar aggregate classification (germline): Uncertain significance. Review status: criteria provided, multiple submitters, no conflicts (2 of 4 stars). 2 submissions from 2 submitters: Uncertain significance (2). Last evaluated 2024-12-07.

Conditions:
Inborn genetic diseases. Identifiers: MedGen C0950123, MeSH D030342.
Early-infantile DEE. Also called: Early infantile epileptic encephalopathy with suppression bursts; Early infantile epileptic encephalopathy; Ohtahara syndrome. Identifiers: Orphanet 1934, MedGen C0393706, MONDO:0800491.

Allele frequency attached by ClinVar (database versions not stated): TOPMed below 0.00001; gnomAD exomes 0.00001.
gnomAD v4.1: 16 of 1,611,606 alleles (0.00099%); highest among the groups gnomAD compares: Non-Finnish European, 0.0014%; no homozygotes.

Submissions (2):

Ambry Genetics
Classification: Uncertain significance for Inborn genetic diseases. Last evaluated: 2024-12-07. Review status: criteria provided, single submitter. Criteria: Ambry Variant Classification Scheme 2023. Collection method: clinical testing. Allele origin: germline.

Labcorp Genetics (formerly Invitae), Labcorp
Classification: Uncertain significance for Early-infantile DEE. Last evaluated: 2023-10-11. Review status: criteria provided, single submitter. Criteria: Invitae Variant Classification Sherloc (09022015). Collection method: clinical testing. Allele origin: germline.
Comment: This sequence change replaces threonine, which is neutral and polar, with isoleucine, which is neutral and non-polar, at codon 1003 of the SCN1A protein (p.Thr1003Ile). This variant is present in population databases (no rsID available, gnomAD 0.0009%). This variant has not been reported in the literature in individuals affected with SCN1A-related conditions. ClinVar contains an entry for this variant (Variation ID: 2059846). Advanced modeling of protein sequence and biophysical properties (such as structural, functional, and spatial information, amino acid conservation, physicochemical variation, residue mobility, and thermodynamic stability) has been performed at Invitae for this missense variant, however the output from this modeling did not meet the statistical confidence thresholds required to predict the impact of this variant on SCN1A protein function. In summary, the available evidence is currently insufficient to determine the role of this variant in disease. Therefore, it has been classified as a Variant of Uncertain Significance.

NM_001165963.4(SCN1A):c.3008C>T (p.Thr1003Ile)

Gene: SCN1A (sodium voltage-gated channel alpha subunit 1; minus strand). Cytogenetic location: 2q24.3.
Variant type: single nucleotide variant.
Coding change: c.3008C>T on transcript NM_001165963.4 (MANE Select); coding-DNA position 3008, C replaced by T.
Protein change: p.Thr1003Ile; replaces threonine 1003 with isoleucine.
Molecular consequence: missense variant. On other transcripts: non-coding transcript variant (1).
Genome position (GRCh38, 1-based): chr2:166,036,469, G>A on the plus strand (C>T on the coding strand, the complement: SCN1A is on the minus strand). VCF-style: chr2-166036469-G-A. GRCh37 (hg19) VCF-style: chr2-166892979-G-A.
Other names: c.2924C>T, p.Thr975Ile (NM_001165964.3, NM_001353957.2, NM_001353958.2); c.3008C>T, p.Thr1003Ile (NM_001202435.3, NM_001353948.2); c.2975C>T, p.Thr992Ile (NM_001353949.2, NM_001353950.2, NM_001353951.2 and 2 more transcripts); c.2972C>T, p.Thr991Ile (NM_001353954.2, NM_001353955.2); c.2921C>T, p.Thr974Ile (NM_001353960.2); c.566C>T, p.Thr189Ile (NM_001353961.2); c.3008C>T (NM_001165963.1); short protein forms T1003I, T974I, T975I, T992I, T189I, T991I.
Identifiers: ClinVar variation 2059846 (VCV002059846.5), dbSNP rs1343188948, ClinGen allele CA349060424.
Genomic context (GRCh38, chr2:166,036,469, plus strand): 5'-ACTCCTTTGTGCATCCTATCCACAGCAATTTGGAGATTATTCATTTCATTATCATCATCA[G>A]TGGCTGCAAGGTTGTCTGCACTAAATGAGCTCAGAAGCAAGGCCAGAAAGAGATTCAGGA-3'
Protein context (NP_001159435.1, residues 993-1013): SSFSADNLAA[Thr1003Ile]DDDNEMNNLQ